The following is an entry in ClinVar:

NM_201384.3(PLEC):c.2739+4C>T

Gene: PLEC (plectin; minus strand). Cytogenetic location: 8q24.3.
Variant type: single nucleotide variant.
Coding change: c.2739+4C>T on transcript NM_201384.3 (MANE Select); 4 bases into the intron after coding-DNA position 2739, C replaced by T.
Molecular consequence: intron variant.
Genome position (GRCh38, 1-based): chr8:143,929,932, G>A on the plus strand (C>T on the coding strand, the complement: PLEC is on the minus strand). VCF-style: chr8-143929932-G-A. GRCh37 (hg19) VCF-style: chr8-145004100-G-A.
Other names: c.2820+4C>T (NM_000445.5); c.2697+4C>T (NM_201378.4); c.2673+4C>T (NM_201379.3); c.3150+4C>T (NM_201380.4); c.2643+4C>T (NM_201381.3); c.2739+4C>T (NM_201382.4); c.2751+4C>T (NM_201383.3).
Identifiers: ClinVar variation 681570 (VCV000681570.6), dbSNP rs782418880, ClinGen allele CA4927400.
Genomic context (GRCh38, chr8:143,929,932, plus strand): 5'-TGCCCTGCACAACGCCTCTCCCCTCCTCCCACCCAGAGAGCCCCCGGCTCGGGGGCAGGC[G>A]TACCGTGGCCAGGGACCAGGAGCGGATGAGCTGCACGTCGCGGCGAAGGCTCTGCCAGGC-3'

ClinVar aggregate classification (germline): Conflicting classifications of pathogenicity. Review status: criteria provided, conflicting classifications (1 of 4 stars). 2 submissions from 2 submitters: Uncertain significance (1); Likely benign (1). Last evaluated 2025-07-14.

Conditions:
Epidermolysis bullosa simplex, Ogna type (EBS5A). Also called: Pidermolysis bullosa simplex 5A, Ogna type; EPIDERMOLYSIS BULLOSA SIMPLEX 5A, OGNA TYPE. Identifiers: Orphanet 79401, MedGen C0432317, MONDO:0007555, OMIM 131950.
Epidermolysis bullosa simplex 5C, with pyloric atresia (EBS5C). Also called: PLEC1-Related Epidermolysis Bullosa with Pyloric Atresia; PLEC-Related Epidermolysis Bullosa with Pyloric Atresia; Epidermolysis bullosa simplex with pyloric atresia. Identifiers: Orphanet 158684, MedGen C2677349, MONDO:0012807, OMIM 612138.
Epidermolysis bullosa simplex 5B, with muscular dystrophy (EBS5B). Also called: Epidermolysis bullosa simplex with muscular dystrophy; EPIDERMOLYSIS BULLOSA SIMPLEX AND LIMB-GIRDLE MUSCULAR DYSTROPHY. Identifiers: Orphanet 257, MedGen C2931072, MONDO:0009181, OMIM 226670.
Autosomal recessive limb-girdle muscular dystrophy type 2Q (LGMDR17). Also called: MUSCULAR DYSTROPHY, LIMB-GIRDLE, AUTOSOMAL RECESSIVE 17. Identifiers: Orphanet 254361, MedGen C3150989, MONDO:0013390, OMIM 613723.
Epidermolysis bullosa simplex with nail dystrophy (EBS5D). Identifiers: MedGen C4225309, MONDO:0014661, OMIM 616487.

Allele frequency attached by ClinVar (database versions not stated): ExAC 0.00001; gnomAD 0.00001; gnomAD exomes 0.00001; TOPMed 0.00001.
gnomAD v4.1: 12 of 1,609,118 alleles (0.00075%); highest among the groups gnomAD compares: Admixed American, 0.0017%; no homozygotes.

Submissions (2):

Labcorp Genetics (formerly Invitae), Labcorp
Classification: Uncertain significance for Autosomal recessive limb-girdle muscular dystrophy type 2Q; Epidermolysis bullosa simplex, Ogna type; Epidermolysis bullosa simplex with nail dystrophy; Epidermolysis bullosa simplex 5C, with pyloric atresia; Epidermolysis bullosa simplex 5B, with muscular dystrophy. Last evaluated: 2025-07-14. Review status: criteria provided, single submitter. Criteria: Invitae Variant Classification Sherloc (09022015). Collection method: clinical testing. Allele origin: germline.
Comment: This sequence change falls in intron 23 of the PLEC gene. It does not directly change the encoded amino acid sequence of the PLEC protein. It affects a nucleotide within the consensus splice site. The frequency data for this variant in the population databases is considered unreliable, as metrics indicate poor data quality at this position in the gnomAD database. This variant has not been reported in the literature in individuals affected with PLEC-related conditions. ClinVar contains an entry for this variant (Variation ID: 681570). Variants that disrupt the consensus splice site are a relatively common cause of aberrant splicing (PMID: 17576681, 9536098). Algorithms developed to predict the effect of sequence changes on RNA splicing suggest that this variant is not likely to affect RNA splicing. In summary, the available evidence is currently insufficient to determine the role of this variant in disease. Therefore, it has been classified as a Variant of Uncertain Significance.

GeneDx
Classification: Likely benign. Last evaluated: 2018-04-09. Review status: criteria provided, single submitter. Criteria: GeneDx Variant Classification (06012015). Collection method: clinical testing. Allele origin: germline. Affected: yes.
Comment: This variant is considered likely benign or benign based on one or more of the following criteria: it is a conservative change, it occurs at a poorly conserved position in the protein, it is predicted to be benign by multiple in silico algorithms, and/or has population frequency not consistent with disease.

Literature cited by the submitters: PubMed 17576681 (cited by Labcorp Genetics (formerly Invitae), Labcorp); PubMed 9536098 (cited by Labcorp Genetics (formerly Invitae), Labcorp).